The following is an entry in ClinVar:

ClinVar aggregate classification (germline): Uncertain significance (1 of 4 stars; one submission).

Allele frequency attached by ClinVar (database versions not stated): ExAC 0.00001; gnomAD exomes 0.00001.
gnomAD v4.1: 13 of 1,208,878 alleles (0.0011%); highest among the groups gnomAD compares: East Asian, 0.036%; 1 homozygote.

Submission:

Labcorp Genetics (formerly Invitae), Labcorp
Classification: Uncertain significance. Last evaluated: 2022-03-15. Review status: criteria provided, single submitter. Criteria: Invitae Variant Classification Sherloc (09022015). Collection method: clinical testing. Allele origin: germline.
Comment: This sequence change falls in intron 44 of the COL4A5 gene. It does not directly change the encoded amino acid sequence of the COL4A5 protein. It affects a nucleotide within the consensus splice site. This variant is present in population databases (rs748750912, gnomAD 0.02%), including at least one homozygous and/or hemizygous individual. This variant has not been reported in the literature in individuals affected with COL4A5-related conditions. Variants that disrupt the consensus splice site are a relatively common cause of aberrant splicing (PMID: 17576681, 9536098). Algorithms developed to predict the effect of sequence changes on RNA splicing suggest that this variant is not likely to affect RNA splicing. In summary, the available evidence is currently insufficient to determine the role of this variant in disease. Therefore, it has been classified as a Variant of Uncertain Significance.

Literature cited by the submitters: PubMed 17576681; PubMed 9536098.

NM_033380.3(COL4A5):c.4088-3T>C

Gene: COL4A5 (collagen type IV alpha 5 chain; plus strand). Cytogenetic location: Xq22.3.
Variant type: single nucleotide variant.
Coding change: c.4088-3T>C on transcript NM_033380.3 (MANE Select); 3 bases into the intron before coding-DNA position 4088, T replaced by C.
Molecular consequence: intron variant.
Genome position (GRCh38, 1-based): chrX:108,681,757, T>C. VCF-style: chrX-108681757-T-C. GRCh37 (hg19) VCF-style: chrX-107924987-T-C.
Other names: c.4070-3T>C (NM_000495.5).
Identifiers: ClinVar variation 1971585 (VCV001971585.2), dbSNP rs748750912, ClinGen allele CA10489292.